The following is an entry in ClinVar:

NC_000007.13:g.(?_148106463)_(148112708_?)dup

Gene: CNTNAP2 (contactin associated protein 2; plus strand). Cytogenetic location: 7q36.1.
Variant type: Duplication.
Identifiers: ClinVar variation 1411790 (VCV001411790.6).

ClinVar aggregate classification (germline): Uncertain significance (1 of 4 stars; one submission).

Conditions:
Cortical dysplasia-focal epilepsy syndrome (PTHSL1). Also called: Pitt-Hopkins-like syndrome 1. Identifiers: Orphanet 163681, Orphanet 221150, MedGen C2750246, MONDO:0012400, OMIM 610042.

Submission:

Labcorp Genetics (formerly Invitae), Labcorp
Classification: Uncertain significance for Cortical dysplasia-focal epilepsy syndrome. Last evaluated: 2021-06-19. Review status: criteria provided, single submitter. Criteria: Invitae Variant Classification Sherloc (09022015). Collection method: clinical testing. Allele origin: germline.
Comment: This variant results in a copy number gain of the genomic region encompassing exon(s) 23-24 of the CNTNAP2 gene. The 5' boundary is likely confined to intron 22. The 3' end of this event is unknown as it extends beyond the assayed region for this gene and therefore may encompass additional genes. As the precise location of this event is unknown, it may be in tandem or it may be located elsewhere in the genome. This variant has not been reported in the literature in individuals with CNTNAP2-related conditions. In summary, the available evidence is currently insufficient to determine the role of this variant in disease. Therefore, it has been classified as a Variant of Uncertain Significance.